The following is an entry in ClinVar:

ClinVar aggregate classification (germline): Uncertain significance (1 of 4 stars; one submission).

Conditions:
Cardiomyopathy (CMYO). Also called: Cardiomyopathies. Identifiers: Orphanet 167848, MedGen C0878544, MONDO:0004994, HP:0001638. Inheritance: Various modes of inheritance.

gnomAD v4.1: 1 of 1,612,110 alleles (0.000062%); highest among the groups gnomAD compares: South Asian, 0.0011%; no homozygotes.

Submission:

Color Diagnostics, LLC DBA Color Health
Classification: Uncertain significance for Cardiomyopathy. Last evaluated: 2025-06-26. Review status: criteria provided, single submitter. Criteria: ACMG Guidelines, 2015. Collection method: clinical testing. Allele origin: germline.
Comment: This missense variant replaces glutamic acid with glycine at codon 3549 of the RYR2 protein. Computational prediction suggests that this variant may not impact protein structure and function. To our knowledge, functional studies have not been reported for this variant. This variant has not been reported in individuals affected with RYR2-related disorders in the literature. This variant has not been identified in the general population by the Genome Aggregation Database (gnomAD). The available evidence is insufficient to determine the role of this variant in disease conclusively. Therefore, this variant is classified as a Variant of Uncertain Significance.

NM_001035.3(RYR2):c.10646A>G (p.Glu3549Gly)

Gene: RYR2 (ryanodine receptor 2; plus strand). Cytogenetic location: 1q43.
Variant type: single nucleotide variant.
Coding change: c.10646A>G on transcript NM_001035.3 (MANE Select); coding-DNA position 10646, A replaced by G.
Protein change: p.Glu3549Gly; replaces glutamic acid 3549 with glycine.
Molecular consequence: missense variant.
Genome position (GRCh38, 1-based): chr1:237,723,219, A>G. VCF-style: chr1-237723219-A-G. GRCh37 (hg19) VCF-style: chr1-237886519-A-G.
Other names: short protein forms E3549G.
Identifiers: ClinVar variation 4758815 (VCV004758815.1).